The following is an entry in ClinVar:

NM_153365.3(TAPT1):c.103A>T (p.Ser35Cys)

Genes: TAPT1 (transmembrane anterior posterior transformation 1; minus strand), LOC129992296 (ATAC-STARR-seq lymphoblastoid silent region 15304; plus strand). Cytogenetic location: 4p15.32.
Variant type: single nucleotide variant.
Coding change: c.103A>T on transcript NM_153365.3 (MANE Select); coding-DNA position 103, A replaced by T.
Protein change: p.Ser35Cys; replaces serine 35 with cysteine.
Molecular consequence: missense variant.
Genome position (GRCh38, 1-based): chr4:16,226,355, T>A on the plus strand (A>T on the coding strand, the complement: TAPT1 is on the minus strand). VCF-style: chr4-16226355-T-A. GRCh37 (hg19) VCF-style: chr4-16227978-T-A.
Other names: short protein forms S35C.
Identifiers: ClinVar variation 3613917 (VCV003613917.2).

ClinVar aggregate classification (germline): Uncertain significance (1 of 4 stars; one submission).

gnomAD v4.1: 2 of 1,111,406 alleles (0.00018%); highest among the groups gnomAD compares: African/African-American, 0.0034%; no homozygotes.

Submission:

Labcorp Genetics (formerly Invitae), Labcorp
Classification: Uncertain significance. Last evaluated: 2024-08-01. Review status: criteria provided, single submitter. Criteria: Invitae Variant Classification Sherloc (09022015). Collection method: clinical testing. Allele origin: germline.
Comment: This sequence change replaces serine, which is neutral and polar, with cysteine, which is neutral and slightly polar, at codon 35 of the TAPT1 protein (p.Ser35Cys). This variant is not present in population databases (gnomAD no frequency). This variant has not been reported in the literature in individuals affected with TAPT1-related conditions. Experimental studies and prediction algorithms are not available or were not evaluated, and the functional significance of this variant is currently unknown. In summary, the available evidence is currently insufficient to determine the role of this variant in disease. Therefore, it has been classified as a Variant of Uncertain Significance.